The following is an entry in ClinVar:

ClinVar aggregate classification (germline): Uncertain significance. Review status: criteria provided, multiple submitters, no conflicts (2 of 4 stars). 2 submissions from 2 submitters: Uncertain significance (2). Last evaluated 2025-06-10.

Allele frequency attached by ClinVar (database versions not stated): gnomAD exomes below 0.00001; TOPMed 0.00001; gnomAD 0.00001.
gnomAD v4.1: 4 of 1,614,096 alleles (0.00025%); highest among the groups gnomAD compares: Non-Finnish European, 0.00034%; no homozygotes.

Submissions (2):

Labcorp Genetics (formerly Invitae), Labcorp
Classification: Uncertain significance. Last evaluated: 2025-06-10. Review status: criteria provided, single submitter. Criteria: Invitae Variant Classification Sherloc (09022015). Collection method: clinical testing. Allele origin: germline.
Comment: This sequence change replaces proline, which is neutral and non-polar, with leucine, which is neutral and non-polar, at codon 78 of the COL2A1 protein (p.Pro78Leu). This variant is not present in population databases (gnomAD no frequency). This variant has not been reported in the literature in individuals affected with COL2A1-related conditions. ClinVar contains an entry for this variant (Variation ID: 2961340). Invitae Evidence Modeling of protein sequence and biophysical properties (such as structural, functional, and spatial information, amino acid conservation, physicochemical variation, residue mobility, and thermodynamic stability) indicates that this missense variant is not expected to disrupt COL2A1 protein function with a negative predictive value of 95%. In summary, the available evidence is currently insufficient to determine the role of this variant in disease. Therefore, it has been classified as a Variant of Uncertain Significance.

GeneDx
Classification: Uncertain significance. Last evaluated: 2024-11-19. Review status: criteria provided, single submitter. Criteria: GeneDx Variant Classification Process June 2021. Collection method: clinical testing. Allele origin: germline. Affected: yes.
Comment: Has not been previously published as pathogenic or benign to our knowledge; Not observed at significant frequency in large population cohorts (gnomAD); In silico analysis indicates that this missense variant does not alter protein structure/function; Not located in the triple helical region, where the majority of pathogenic missense variants occur (HGMD)

NM_001844.5(COL2A1):c.233C>T (p.Pro78Leu)

Gene: COL2A1 (collagen type II alpha 1 chain; minus strand). Cytogenetic location: 12q13.11.
Variant type: single nucleotide variant.
Coding change: c.233C>T on transcript NM_001844.5 (MANE Select); coding-DNA position 233, C replaced by T.
Protein change: p.Pro78Leu; replaces proline 78 with leucine.
Molecular consequence: missense variant. On other transcripts: intron variant (1).
Genome position (GRCh38, 1-based): chr12:47,999,978, G>A on the plus strand (C>T on the coding strand, the complement: COL2A1 is on the minus strand). VCF-style: chr12-47999978-G-A. GRCh37 (hg19) VCF-style: chr12-48393761-G-A.
Other names: c.86-1547C>T (NM_033150.3); c.233C>T (NM_001844.4); short protein forms P78L.
Identifiers: ClinVar variation 2961340 (VCV002961340.4), dbSNP rs952199404, ClinGen allele CA236494877.
Genomic context (GRCh38, chr12:47,999,978, plus strand): 5'-CCACTGGCAGTGGCGAGGTCAGTTGGGCAGATGGGGCAGCACTCTCCGAAGGGGATCTCA[G>A]GGCTGAGGCAGTCTTTCACGTCTTCACAGATTATGTCGTCGCAGAGGACAGTCCCAGTGT-3'
Protein context (NP_001835.3, residues 68-88): ICEDVKDCLS[Pro78Leu]EIPFGECCPI